The following is an entry in ClinVar:

NM_138477.4(CDAN1):c.412del (p.Glu138fs)

Genes: CDAN1 (codanin 1; minus strand), LOC130056931 (ATAC-STARR-seq lymphoblastoid silent region 6376; plus strand). Cytogenetic location: 15q15.2.
Variant type: Deletion.
Coding change: c.412del on transcript NM_138477.4 (MANE Select); coding-DNA position 412, one base deleted (G; older notation c.412delG).
Protein change: p.Glu138fs; shifts the reading frame from glutamic acid 138.
Molecular consequence: frameshift variant.
Genome position (GRCh38, 1-based): chr15:42,736,459, C deleted on the plus strand (G on the coding strand, the reverse complement: CDAN1 is on the minus strand); the first of 2 consecutive C bases (chr15:42,736,459-42,736,460); deleting either gives the same sequence. VCF-style (leftmost placement, unchanged base first): chr15-42736458-TC-T. GRCh37 (hg19) VCF-style: chr15-43028656-TC-T.
Other names: short protein forms E138fs.
Identifiers: ClinVar variation 4731553 (VCV004731553.1).

ClinVar aggregate classification (germline): Pathogenic (1 of 4 stars; one submission).

Submission:

Labcorp Genetics (formerly Invitae), Labcorp
Classification: Pathogenic. Last evaluated: 2025-11-28. Review status: criteria provided, single submitter. Criteria: Invitae Variant Classification Sherloc (09022015). Collection method: clinical testing. Allele origin: germline.
Comment: This sequence change creates a premature translational stop signal (p.Glu138Argfs*44) in the CDAN1 gene. It is expected to result in an absent or disrupted protein product. Loss-of-function variants in CDAN1 are known to be pathogenic (PMID: 16098079, 16141353). This variant is not present in population databases (gnomAD no frequency). This variant has not been reported in the literature in individuals affected with CDAN1-related conditions. For these reasons, this variant has been classified as Pathogenic.

Literature cited by the submitters: PubMed 16098079; PubMed 16141353.